The following is an entry in ClinVar:

ClinVar aggregate classification (germline): Likely benign. Review status: criteria provided, multiple submitters, no conflicts (2 of 4 stars). 2 submissions from 2 submitters: Likely benign (2). Last evaluated 2024-12-04.

Submissions (2):

Labcorp Genetics (formerly Invitae), Labcorp
Classification: Likely benign. Last evaluated: 2024-12-04. Review status: criteria provided, single submitter. Criteria: Invitae Variant Classification Sherloc (09022015). Collection method: clinical testing. Allele origin: germline.

GeneDx
Classification: Likely benign. Last evaluated: 2018-03-09. Review status: criteria provided, single submitter. Criteria: GeneDx Variant Classification (06012015). Collection method: clinical testing. Allele origin: germline. Affected: yes.
Comment: This variant is considered likely benign or benign based on one or more of the following criteria: it is a conservative change, it occurs at a poorly conserved position in the protein, it is predicted to be benign by multiple in silico algorithms, and/or has population frequency not consistent with disease.

NM_020191.4(MRPS22):c.987+15del

Gene: MRPS22 (mitochondrial ribosomal protein S22; plus strand). Cytogenetic location: 3q23.
Variant type: Deletion.
Coding change: c.987+15del on transcript NM_020191.4 (MANE Select); 15 bases into the intron after coding-DNA position 987, one base deleted (T; older notation c.987+15delT).
Molecular consequence: intron variant.
Genome position (GRCh38, 1-based): chr3:139,355,805, T deleted; the last of 9 consecutive T bases (chr3:139,355,797-139,355,805); deleting any one gives the same sequence. VCF-style (leftmost placement, unchanged base first): chr3-139355796-GT-G. GRCh37 (hg19) VCF-style: chr3-139074638-GT-G.
Other names: c.984+15del (NM_001363893.1); c.864+15del (NM_001363857.1); c.987+15delT (NM_020191.2).
Identifiers: ClinVar variation 343491 (VCV000343491.9), dbSNP rs372892045, ClinGen allele CA2640877.